The following is an entry in ClinVar:

NM_032578.4(MYPN):c.3794-1G>A

Gene: MYPN (myopalladin; plus strand). Cytogenetic location: 10q21.3.
Variant type: single nucleotide variant.
Coding change: c.3794-1G>A on transcript NM_032578.4 (MANE Select); the canonical splice acceptor site of the intron before coding-DNA position 3794, G replaced by A.
Molecular consequence: splice acceptor variant.
Genome position (GRCh38, 1-based): chr10:68,210,285, G>A. VCF-style: chr10-68210285-G-A. GRCh37 (hg19) VCF-style: chr10-69970042-G-A.
Other names: c.3794-1G>A (NM_001256267.2); c.2912-1G>A (NM_001256268.2).
Identifiers: ClinVar variation 2999844 (VCV002999844.3), dbSNP rs2496048479, ClinGen allele CA376829780.

ClinVar aggregate classification (germline): Uncertain significance (1 of 4 stars; one submission).

Conditions:
Dilated cardiomyopathy 1KK (CMD1KK). Identifiers: Orphanet 154, Orphanet 75249, MedGen C3714995, MONDO:0014100, OMIM 615248.

Submission:

Labcorp Genetics (formerly Invitae), Labcorp
Classification: Uncertain significance for Dilated cardiomyopathy 1KK. Last evaluated: 2023-03-01. Review status: criteria provided, single submitter. Criteria: Invitae Variant Classification Sherloc (09022015). Collection method: clinical testing. Allele origin: germline.
Comment: This sequence change affects an acceptor splice site in intron 19 of the MYPN gene. While this variant is not anticipated to result in nonsense mediated decay, it likely alters RNA splicing and results in a disrupted protein product. This variant is not present in population databases (gnomAD no frequency). This variant has not been reported in the literature in individuals affected with MYPN-related conditions. Variants that disrupt the consensus splice site are a relatively common cause of aberrant splicing (PMID: 17576681, 9536098). Algorithms developed to predict the effect of sequence changes on RNA splicing suggest that this variant may disrupt the consensus splice site. In summary, the available evidence is currently insufficient to determine the role of this variant in disease. Therefore, it has been classified as a Variant of Uncertain Significance.

Literature cited by the submitters: PubMed 17576681; PubMed 9536098.